The following is an entry in ClinVar:

ClinVar aggregate classification (germline): Likely pathogenic (1 of 4 stars; one submission).

Conditions:
Autosomal recessive limb-girdle muscular dystrophy type 2J (LGMDR10). Also called: Limb-girdle muscular dystrophy, type 2J; MUSCULAR DYSTROPHY, LIMB-GIRDLE, AUTOSOMAL RECESSIVE 10. Identifiers: Orphanet 140922, MedGen C1837342, MONDO:0012127, OMIM 608807.
Dilated cardiomyopathy 1G (CMD1G). Identifiers: Orphanet 154, MedGen C1858763, MONDO:0011400, OMIM 604145.

Submission:

Labcorp Genetics (formerly Invitae), Labcorp
Classification: Likely pathogenic for Dilated cardiomyopathy 1G; Autosomal recessive limb-girdle muscular dystrophy type 2J. Last evaluated: 2019-12-31. Review status: criteria provided, single submitter. Criteria: Invitae Variant Classification Sherloc (09022015). Collection method: clinical testing. Allele origin: germline.
Comment: In summary, the currently available evidence indicates that the variant is pathogenic, but additional data are needed to prove that conclusively. Therefore, this variant has been classified as Likely Pathogenic. This variant is located in the A band of TTN (PMID: 25589632). Truncating variants in this region are significantly overrepresented in patients affected with dilated cardiomyopathy (PMID: 25589632). Truncating variants in this region have also been reported in individuals affected with autosomal recessive centronuclear myopathy (PMID: 23975875). This variant has not been reported in the literature in individuals with TTN-related conditions. ClinVar contains an entry for this variant (Variation ID: 641131). This variant is not present in population databases (ExAC no frequency). This sequence change results in a premature translational stop signal in the TTN gene (p.Tyr26083*). While this is not anticipated to result in nonsense mediated decay, it is expected to create a truncated TTN protein.

Literature cited by the submitters: PubMed 25589632; PubMed 23975875.

NM_001267550.2(TTN):c.78249T>G (p.Tyr26083Ter)

Genes: TTN-AS1 (TTN antisense RNA 1; plus strand), TTN (titin; minus strand). Cytogenetic location: 2q31.2.
Variant type: single nucleotide variant.
Coding change: c.78249T>G on transcript NM_001267550.2 (MANE Select); coding-DNA position 78249, T replaced by G.
Protein change: p.Tyr26083Ter; replaces tyrosine 26083 with a stop codon.
Molecular consequence: nonsense.
Genome position (GRCh38, 1-based): chr2:178,567,883, A>C on the plus strand (T>G on the coding strand, the complement: TTN is on the minus strand). VCF-style: chr2-178567883-A-C. GRCh37 (hg19) VCF-style: chr2-179432610-A-C.
Other names: c.73326T>G, p.Tyr24442Ter (NM_001256850.1); c.51054T>G, p.Tyr17018Ter (NM_003319.4); c.70545T>G, p.Tyr23515Ter (NM_133378.4); c.51429T>G, p.Tyr17143Ter (NM_133432.3); c.51630T>G, p.Tyr17210Ter (NM_133437.4); short protein forms Y17018*, Y24442*, Y26083*, Y17210*, Y23515*, Y17143*.
Identifiers: ClinVar variation 641131 (VCV000641131.11), dbSNP rs747203787, ClinGen allele CA349603428.